The following is an entry in ClinVar:

NM_001378454.1(ALMS1):c.11707C>T (p.Arg3903Ter)

Gene: ALMS1 (ALMS1 centrosome and basal body associated protein; plus strand). Cytogenetic location: 2p13.1.
Variant type: single nucleotide variant.
Coding change: c.11707C>T on transcript NM_001378454.1 (MANE Select); coding-DNA position 11707, C replaced by T.
Protein change: p.Arg3903Ter; replaces arginine 3903 with a stop codon.
Molecular consequence: nonsense.
Genome position (GRCh38, 1-based): chr2:73,600,716, C>T. VCF-style: chr2-73600716-C-T. GRCh37 (hg19) VCF-style: chr2-73827843-C-T.
Other names: c.11710C>T, p.Arg3904Ter (NM_015120.4); short protein forms R3903*, R3904*.
Identifiers: ClinVar variation 1076053 (VCV001076053.8), dbSNP rs1290800821, ClinGen allele CA347264249.

ClinVar aggregate classification (germline): Pathogenic (1 of 4 stars; one submission).

Conditions:
Alstrom syndrome (ALMS). Identifiers: Orphanet 64, MedGen C0268425, MONDO:0008763, OMIM 203800.

gnomAD v4.1: 5 of 1,614,074 alleles (0.00031%); highest among the groups gnomAD compares: East Asian, 0.0022%; no homozygotes.

Submission:

Labcorp Genetics (formerly Invitae), Labcorp
Classification: Pathogenic for Alstrom syndrome. Last evaluated: 2023-05-22. Review status: criteria provided, single submitter. Criteria: Invitae Variant Classification Sherloc (09022015). Collection method: clinical testing. Allele origin: germline.
Comment: This variant has not been reported in the literature in individuals affected with ALMS1-related conditions. For these reasons, this variant has been classified as Pathogenic. ClinVar contains an entry for this variant (Variation ID: 1076053). This variant is not present in population databases (gnomAD no frequency). This sequence change creates a premature translational stop signal (p.Arg3904*) in the ALMS1 gene. It is expected to result in an absent or disrupted protein product. Loss-of-function variants in ALMS1 are known to be pathogenic (PMID: 17594715).

Literature cited by the submitters: PubMed 17594715.